The following is an entry in ClinVar:

ClinVar aggregate classification (germline): Uncertain significance (1 of 4 stars; one submission).

Conditions:
Hereditary cancer-predisposing syndrome. Also called: Neoplastic Syndromes, Hereditary; Tumor predisposition; Hereditary Cancer Syndrome; Hereditary neoplastic syndrome. Identifiers: Orphanet 140162, MedGen C0027672, MeSH D009386, MONDO:0015356.

Allele frequency attached by ClinVar (database versions not stated): gnomAD exomes below 0.00001; ExAC 0.00001; gnomAD 0.00001.
gnomAD v4.1: 2 of 1,611,084 alleles (0.00012%); highest among the groups gnomAD compares: East Asian, 0.0022%; no homozygotes.

Submission:

Color Diagnostics, LLC DBA Color Health
Classification: Uncertain significance for Hereditary cancer-predisposing syndrome. Last evaluated: 2025-07-15. Review status: criteria provided, single submitter. Criteria: ACMG Guidelines, 2015. Collection method: clinical testing. Allele origin: germline.
Comment: This variant causes a G to A nucleotide substitution in the 5' untranslated region of the MSH6 gene. To our knowledge, gene expression studies have not been reported for this variant. This variant has not been reported in individuals affected with MSH6-related disorders in the literature. This variant has been identified in 1/244132 chromosomes in the general population by the Genome Aggregation Database (gnomAD). The available evidence is insufficient to determine the role of this variant in disease conclusively. Therefore, this variant is classified as a Variant of Uncertain Significance.

NM_000179.3(MSH6):c.-13G>A

Gene: MSH6 (mutS homolog 6; plus strand). Cytogenetic location: 2p16.3.
Variant type: single nucleotide variant.
Coding change: c.-13G>A on transcript NM_000179.3 (MANE Select); 13 bases upstream of the start codon, G replaced by A.
Molecular consequence: 5 prime UTR variant.
Genome position (GRCh38, 1-based): chr2:47,783,221, G>A. VCF-style: chr2-47783221-G-A. GRCh37 (hg19) VCF-style: chr2-48010360-G-A.
Other names: c.-13G>A (NM_001281492.2); c.-749G>A (NM_001281493.2).
Identifiers: ClinVar variation 925306 (VCV000925306.6), dbSNP rs760597933, ClinGen allele CA067575.